The following is an entry in ClinVar:

ClinVar aggregate classification (germline): Pathogenic/Likely pathogenic. Review status: criteria provided, multiple submitters, no conflicts (2 of 4 stars). 7 submissions from 7 submitters: Pathogenic (5); Likely pathogenic (1). 1 of the submissions does not count toward it. Last evaluated 2025-12-06.

Conditions:
MFRP-related disorder. Also called: MFRP-related disorders; MFRP-related condition.
Retinal dystrophy. Also called: Inherited retinal dystrophy. Identifiers: Orphanet 71862, MedGen C0854723, MeSH D058499, MONDO:0019118, HP:0000556.
Nanophthalmos 2 (NNO2). Also called: NANOPHTHALMIA 2; NANOPHTHALMOS, AUTOSOMAL RECESSIVE. Identifiers: Orphanet 35612, MedGen C1836006, MONDO:0012299, OMIM 609549.
Isolated microphthalmia 5. Also called: Posterior Microphthalmia with Retinitis Pigmentosa, Foveoschisis, and Optic Disc Drusen. Identifiers: Orphanet 251279, MedGen C1970236, MONDO:0012605, OMIM 611040.

Allele frequency attached by ClinVar (database versions not stated): ExAC 0.00003; gnomAD exomes 0.00002 and 0.00005; TOPMed 0.00008; gnomAD 0.00009.

Submissions (7):

Labcorp Genetics (formerly Invitae), Labcorp
Classification: Pathogenic for Isolated microphthalmia 5. Last evaluated: 2025-12-06. Review status: criteria provided, single submitter. Criteria: Invitae Variant Classification Sherloc (09022015). Collection method: clinical testing. Allele origin: germline.
Comment: This sequence change creates a premature translational stop signal (p.Asn167Glnfs*34) in the MFRP gene. It is expected to result in an absent or disrupted protein product. Loss-of-function variants in MFRP are known to be pathogenic (PMID: 12140190, 15976030, 20361016). This variant is present in population databases (rs730882143, gnomAD 0.02%). This premature translational stop signal has been observed in individual(s) with clinical features of MFRP-related conditions (PMID: 20361016). ClinVar contains an entry for this variant (Variation ID: 183046). For these reasons, this variant has been classified as Pathogenic.

Blueprint Genetics
Classification: Pathogenic for MFRP-related disorders. Last evaluated: 2023-10-03. Review status: criteria provided, single submitter. Criteria: ACMG Guidelines, 2015. Collection method: clinical testing. Allele origin: germline. Affected: yes. Observed: 5 variant alleles.

Fulgent Genetics
Classification: Pathogenic for Nanophthalmos 2; Isolated microphthalmia 5. Last evaluated: 2022-01-07. Review status: criteria provided, single submitter. Criteria: ACMG Guidelines, 2015. Collection method: clinical testing. Allele origin: unknown.

Institute of Human Genetics, Univ. Regensburg, Univ. Regensburg
Classification: Pathogenic for Retinal dystrophy. Last evaluated: 2022-01-01. Review status: criteria provided, single submitter. Criteria: ACMG Guidelines, 2015. Collection method: clinical testing. Allele origin: germline. Affected: yes.

Illumina Laboratory Services, Illumina
Classification: Likely pathogenic for Isolated microphthalmia 5. Last evaluated: 2018-08-16. Review status: criteria provided, single submitter. Criteria: ICSL Variant Classification Criteria 09 May 2019. Collection method: clinical testing. Allele origin: germline.
Comment: The MFRP c.491_492insT (p.Asn167GlnfsTer34) variant results in a frameshift and is predicted to result in premature termination of the protein. The p.Asn167GlnfsTer34 variant has been reported in two studies in which it is found in a compound heterozygous state in two sibling-pairs with hypermetropia or nanophthalmos and macular folds (Mukhopadhyay et al. 2010; Wassmann et al. 2014); however, the cDNA change in the Wassmann et al. (2014) study was c.498dupC. Control data are unavailable for this variant which is reported at a frequency of 0.0001668 in the African population of the Genome Aggregation Database. Based on the evidence and the potential impact of frameshift variants, the p.Asn167GlnfsTer34 variant is classified as likely pathogenic for isolated microphthalmia. This variant was observed by ICSL as part of a predisposition screen in an ostensibly healthy population.

Eurofins Ntd Llc (ga)
Classification: Pathogenic. Last evaluated: 2017-10-05. Review status: criteria provided, single submitter. Criteria: EGL Classification Definitions 2015. Collection method: clinical testing. Allele origin: germline. Observed: 3 variant alleles, 3 heterozygotes.

OMIM
Classification: Pathogenic for MICROPHTHALMIA, ISOLATED 5. Last evaluated: 2010-03-26. Review status: no assertion criteria provided. Collection method: literature only. Allele origin: germline. Not counted in ClinVar's aggregate classification.

Literature cited by the submitters: PubMed 12140190 (cited by Labcorp Genetics (formerly Invitae), Labcorp); PubMed 15976030 (cited by Labcorp Genetics (formerly Invitae), Labcorp); PubMed 20361016 (cited by 4 submitters); PubMed 31589614 (cited by Institute of Human Genetics, Univ. Regensburg, Univ. Regensburg); PubMed 31992737 (cited by Institute of Human Genetics, Univ. Regensburg, Univ. Regensburg); PubMed 23742260 (cited by Illumina Laboratory Services, Illumina).

NM_031433.4(MFRP):c.491_492insT (p.Asn167fs)

Genes: C1QTNF5 (C1q and TNF related 5; minus strand), MFRP (membrane frizzled-related protein; minus strand). Cytogenetic location: 11q23.3.
Variant type: Insertion.
Coding change: c.491_492insT on transcript NM_031433.4 (MANE Select); coding-DNA positions 491 to 492, T inserted.
Protein change: p.Asn167fs; shifts the reading frame from asparagine 167.
Molecular consequence: frameshift variant. On other transcripts: 5 prime UTR variant (1).
Genome position: GRCh38 VCF-style: chr11-119345569-G-GA. GRCh37 (hg19) VCF-style: chr11-119216279-G-GA.
Other names: c.-2146_-2145insT (NM_015645.5); short protein forms N167fs.
Identifiers: ClinVar variation 183046 (VCV000183046.20), dbSNP rs730882143, ClinGen allele CA185995.